The following is an entry in ClinVar:

NM_025137.4(SPG11):c.4455T>G (p.Cys1485Trp)

Gene: SPG11 (SPG11 vesicle trafficking associated, spatacsin; minus strand). Cytogenetic location: 15q21.1.
Variant type: single nucleotide variant.
Coding change: c.4455T>G on transcript NM_025137.4 (MANE Select); coding-DNA position 4455, T replaced by G.
Protein change: p.Cys1485Trp; replaces cysteine 1485 with tryptophan.
Molecular consequence: missense variant.
Genome position (GRCh38, 1-based): chr15:44,595,439, A>C on the plus strand (T>G on the coding strand, the complement: SPG11 is on the minus strand). VCF-style: chr15-44595439-A-C. GRCh37 (hg19) VCF-style: chr15-44887637-A-C.
Other names: c.4455T>G, p.Cys1485Trp (NM_001160227.2); short protein forms C1485W.
Identifiers: ClinVar variation 961785 (VCV000961785.9), dbSNP rs2083010716, ClinGen allele CA392226898.

ClinVar aggregate classification (germline): Uncertain significance (1 of 4 stars; one submission).

Conditions:
Hereditary spastic paraplegia 11. Also called: Nakamura Osame syndrome; Autosomal recessive hereditary spastic paraplegia, mental impairment, and thin corpus callosum; Spastic paraplegia, mental retardation and thin corpus callosum; SPASTIC PARAPLEGIA, AUTOSOMAL RECESSIVE, COMPLICATED, WITH THIN CORPUS CALLOSUM; SPASTIC PARAPLEGIA, AUTOSOMAL RECESSIVE, WITH MENTAL IMPAIRMENT AND THIN CORPUS CALLOSUM; Spastic Paraplegia 11. Identifiers: Orphanet 2822, MedGen C1858479, MONDO:0011445, OMIM 604360.

Submission:

Labcorp Genetics (formerly Invitae), Labcorp
Classification: Uncertain significance for Hereditary spastic paraplegia 11. Last evaluated: 2019-11-07. Review status: criteria provided, single submitter. Criteria: Invitae Variant Classification Sherloc (09022015). Collection method: clinical testing. Allele origin: germline.
Comment: This sequence change replaces cysteine with tryptophan at codon 1485 of the SPG11 protein (p.Cys1485Trp). The cysteine residue is highly conserved and there is a large physicochemical difference between cysteine and tryptophan. This variant is not present in population databases (ExAC no frequency). This variant has not been reported in the literature in individuals with SPG11-related conditions. Algorithms developed to predict the effect of missense changes on protein structure and function (SIFT, PolyPhen-2, Align-GVGD) all suggest that this variant is likely to be disruptive, but these predictions have not been confirmed by published functional studies and their clinical significance is uncertain. In summary, the available evidence is currently insufficient to determine the role of this variant in disease. Therefore, it has been classified as a Variant of Uncertain Significance.